The following is an entry in ClinVar:

ClinVar aggregate classification (germline): Uncertain significance. Review status: criteria provided, multiple submitters, no conflicts (2 of 4 stars). 3 submissions from 3 submitters: Uncertain significance (3). Last evaluated 2024-11-20.

Conditions:
Inborn genetic diseases. Identifiers: MedGen C0950123, MeSH D030342.

Allele frequency attached by ClinVar (database versions not stated): gnomAD exomes below 0.00001; ExAC 0.00001; gnomAD 0.00001; TOPMed 0.00001.
gnomAD v4.1: 4 of 1,613,682 alleles (0.00025%); highest among the groups gnomAD compares: African/African-American, 0.004%; no homozygotes.

Submissions (3):

Ambry Genetics
Classification: Uncertain significance for Inborn genetic diseases. Last evaluated: 2024-11-20. Review status: criteria provided, single submitter. Criteria: Ambry Variant Classification Scheme 2023. Collection method: clinical testing. Allele origin: germline.
Comment: The p.N615S variant (also known as c.1844A>G), located in coding exon 1 of the SAMD9 gene, results from an A to G substitution at nucleotide position 1844. The asparagine at codon 615 is replaced by serine, an amino acid with highly similar properties. This amino acid position is conserved. In addition, this alteration is predicted to be tolerated by in silico analysis. Based on the available evidence, the clinical significance of this variant remains unclear.

GeneDx
Classification: Uncertain significance. Last evaluated: 2023-01-31. Review status: criteria provided, single submitter. Criteria: GeneDx Variant Classification Process June 2021. Collection method: clinical testing. Allele origin: germline. Affected: yes.
Comment: Not observed at significant frequency in large population cohorts (gnomAD); In silico analysis supports that this missense variant does not alter protein structure/function; Has not been previously published as pathogenic or benign to our knowledge

Labcorp Genetics (formerly Invitae), Labcorp
Classification: Uncertain significance. Last evaluated: 2022-04-28. Review status: criteria provided, single submitter. Criteria: Invitae Variant Classification Sherloc (09022015). Collection method: clinical testing. Allele origin: germline.
Comment: This sequence change replaces asparagine, which is neutral and polar, with serine, which is neutral and polar, at codon 615 of the SAMD9 protein (p.Asn615Ser). The frequency data for this variant in the population databases is considered unreliable, as metrics indicate poor data quality at this position in the gnomAD database. This variant has not been reported in the literature in individuals affected with SAMD9-related conditions. Algorithms developed to predict the effect of missense changes on protein structure and function are either unavailable or do not agree on the potential impact of this missense change (SIFT: "Deleterious"; PolyPhen-2: "Probably Damaging"; Align-GVGD: "Class C0"). In summary, the available evidence is currently insufficient to determine the role of this variant in disease. Therefore, it has been classified as a Variant of Uncertain Significance.

NM_017654.4(SAMD9):c.1844A>G (p.Asn615Ser)

Gene: SAMD9 (sterile alpha motif domain containing 9; minus strand). Cytogenetic location: 7q21.2.
Variant type: single nucleotide variant.
Coding change: c.1844A>G on transcript NM_017654.4 (MANE Select); coding-DNA position 1844, A replaced by G.
Protein change: p.Asn615Ser; replaces asparagine 615 with serine.
Molecular consequence: missense variant.
Genome position (GRCh38, 1-based): chr7:93,104,254, T>C on the plus strand (A>G on the coding strand, the complement: SAMD9 is on the minus strand). VCF-style: chr7-93104254-T-C. GRCh37 (hg19) VCF-style: chr7-92733567-T-C.
Other names: c.1844A>G, p.Asn615Ser (NM_001193307.2); c.1844A>G (NM_017654.3); short protein forms N615S.
Identifiers: ClinVar variation 2131287 (VCV002131287.3), dbSNP rs749321461, ClinGen allele CA4342922.